The following is an entry in ClinVar:

NM_005751.5(AKAP9):c.5888A>G (p.Glu1963Gly)

Gene: AKAP9 (A-kinase anchoring protein 9; plus strand). Cytogenetic location: 7q21.2.
Variant type: single nucleotide variant.
Coding change: c.5888A>G on transcript NM_005751.5 (MANE Select); coding-DNA position 5888, A replaced by G.
Protein change: p.Glu1963Gly; replaces glutamic acid 1963 with glycine.
Molecular consequence: missense variant.
Genome position (GRCh38, 1-based): chr7:92,062,397, A>G. VCF-style: chr7-92062397-A-G. GRCh37 (hg19) VCF-style: chr7-91691711-A-G.
Other names: c.533A>G, p.Glu178Gly (NM_001379277.1); c.5888A>G, p.Glu1963Gly (NM_147185.3); short protein forms E178G, E1963G.
Identifiers: ClinVar variation 3516763 (VCV003516763.1).

ClinVar aggregate classification (germline): Uncertain significance (1 of 4 stars; one submission).

Conditions:
Cardiovascular phenotype. Identifiers: MedGen CN230736.

gnomAD v4.1: 2 of 1,613,944 alleles (0.00012%); highest among the groups gnomAD compares: East Asian, 0.0045%; no homozygotes.

Submission:

Ambry Genetics
Classification: Uncertain significance for Cardiovascular phenotype. Last evaluated: 2024-10-08. Review status: criteria provided, single submitter. Criteria: Ambry Variant Classification Scheme 2023. Collection method: clinical testing. Allele origin: germline.
Comment: The p.E1963G variant (also known as c.5888A>G), located in coding exon 24 of the AKAP9 gene, results from an A to G substitution at nucleotide position 5888. The glutamic acid at codon 1963 is replaced by glycine, an amino acid with similar properties. This amino acid position is conserved. In addition, this alteration is predicted to be tolerated by in silico analysis. Based on the available evidence, the clinical significance of this variant remains unclear.